The following is an entry in ClinVar:

NM_004830.4(MED23):c.3512T>C (p.Val1171Ala)

Gene: MED23 (mediator complex subunit 23; minus strand). Cytogenetic location: 6q23.2.
Variant type: single nucleotide variant.
Coding change: c.3512T>C on transcript NM_004830.4 (MANE Select); coding-DNA position 3512, T replaced by C.
Protein change: p.Val1171Ala; replaces valine 1171 with alanine.
Molecular consequence: missense variant.
Genome position (GRCh38, 1-based): chr6:131,591,487, A>G on the plus strand (T>C on the coding strand, the complement: MED23 is on the minus strand). VCF-style: chr6-131591487-A-G. GRCh37 (hg19) VCF-style: chr6-131912627-A-G.
Other names: c.3512T>C, p.Val1171Ala (NM_001270521.2, NM_001270522.2); c.3530T>C, p.Val1177Ala (NM_001376517.1, NM_015979.4); c.3458T>C, p.Val1153Ala (NM_001376518.1); c.3374T>C, p.Val1125Ala (NM_001376519.1, NM_001376521.1); c.3371T>C, p.Val1124Ala (NM_001376520.1); c.3341T>C, p.Val1114Ala (NM_001376522.1); c.3257T>C, p.Val1086Ala (NM_001376523.1); c.3125T>C, p.Val1042Ala (NM_001376524.1); short protein forms V1042A, V1086A, V1114A, V1124A, V1125A, V1153A, V1171A, V1177A.
Identifiers: ClinVar variation 1695557 (VCV001695557.2), dbSNP rs2114591736, ClinGen allele CA365658752.

ClinVar aggregate classification (germline): Uncertain significance (1 of 4 stars; one submission).

Submission:

GeneDx
Classification: Uncertain significance. Last evaluated: 2022-01-07. Review status: criteria provided, single submitter. Criteria: GeneDx Variant Classification Process June 2021. Collection method: clinical testing. Allele origin: germline. Affected: yes.
Comment: Not observed at significant frequency in large population cohorts (gnomAD); In silico analysis supports that this missense variant does not alter protein structure/function; Has not been previously published as pathogenic or benign to our knowledge